The following is an entry in ClinVar:

ClinVar aggregate classification (germline): Uncertain significance. Review status: criteria provided, multiple submitters, no conflicts (2 of 4 stars). 5 submissions from 5 submitters: Uncertain significance (4). 1 of the submissions does not count toward it. Last evaluated 2025-09-26.

Conditions:
Inborn genetic diseases. Identifiers: MedGen C0950123, MeSH D030342.
Atypical hemolytic-uremic syndrome with I factor anomaly. Also called: HEMOLYTIC UREMIC SYNDROME, ATYPICAL, SUSCEPTIBILITY TO, 3; AHUS, SUSCEPTIBILITY TO, 3. Identifiers: Orphanet 2134, MedGen C2752039, MONDO:0013041, OMIM 612923.
Age related macular degeneration 13. Identifiers: MedGen C3809523, MONDO:0014189, OMIM 615439.
Factor I deficiency (CFID). Also called: Complement factor I deficiency. Identifiers: Orphanet 200418, MedGen C3463916, MONDO:0012594, OMIM 610984.
Atypical hemolytic-uremic syndrome. Identifiers: Orphanet 2134, MedGen C2931788, MONDO:0016244.

Allele frequency attached by ClinVar (database versions not stated): TOPMed below 0.00001; ExAC 0.00001; gnomAD exomes 0.00001 and 0.00002.
gnomAD v4.1: 7 of 1,614,216 alleles (0.00043%); highest among the groups gnomAD compares: Admixed American, 0.0083%; no homozygotes.

Submissions (5):

Genomenon, Inc
Classification: Uncertain significance for Atypical hemolytic-uremic syndrome. Last evaluated: 2025-09-26. Review status: criteria provided, single submitter. Criteria: Genomenon Sequence Variant Interpretation Standards - Updated. Collection method: curation. Allele origin: germline. Affected: yes.
Comment: CFI p.Lys69Glu (c.205A>G) is a missense variant that changes the amino acid at residue 69 from Lysine to Glutamic acid. This variant has been observed in at least one proband affected with atypical hemolytic-uremic syndrome (PMID:35619721). It is absent or not present at a significant frequency in gnomAD. In conclusion, we classify CFI p.Lys69Glu (c.205A>G) as a variant of unknown significance.

Labcorp Genetics (formerly Invitae), Labcorp
Classification: Uncertain significance. Last evaluated: 2024-09-29. Review status: criteria provided, single submitter. Criteria: Invitae Variant Classification Sherloc (09022015). Collection method: clinical testing. Allele origin: germline.
Comment: This sequence change replaces lysine, which is basic and polar, with glutamic acid, which is acidic and polar, at codon 69 of the CFI protein (p.Lys69Glu). This variant is present in population databases (rs771325547, gnomAD 0.01%). This missense change has been observed in individual(s) with clinical features of CFI-related conditions (PMID: 35619721). ClinVar contains an entry for this variant (Variation ID: 599091). Invitae Evidence Modeling of protein sequence and biophysical properties (such as structural, functional, and spatial information, amino acid conservation, physicochemical variation, residue mobility, and thermodynamic stability) has been performed for this missense variant. However, the output from this modeling did not meet the statistical confidence thresholds required to predict the impact of this variant on CFI protein function. In summary, the available evidence is currently insufficient to determine the role of this variant in disease. Therefore, it has been classified as a Variant of Uncertain Significance.

Fulgent Genetics
Classification: Uncertain significance for Factor I deficiency; Atypical hemolytic-uremic syndrome with I factor anomaly; Age related macular degeneration 13. Last evaluated: 2021-12-29. Review status: criteria provided, single submitter. Criteria: ACMG Guidelines, 2015. Collection method: clinical testing. Allele origin: unknown.

Ambry Genetics
Classification: Uncertain significance for Inborn genetic diseases. Last evaluated: 2021-11-09. Review status: criteria provided, single submitter. Criteria: Ambry Variant Classification Scheme 2023. Collection method: clinical testing. Allele origin: germline.

Bioscientia Institut fuer Medizinische Diagnostik GmbH, Sonic Healthcare
Classification: Uncertain significance for Atypical hemolytic-uremic syndrome with I factor anomaly. Last evaluated: 2018-03-15. Review status: no assertion criteria provided. Collection method: clinical testing. Allele origin: germline. Affected: yes. Not counted in ClinVar's aggregate classification.

Literature cited by the submitters: PubMed 35619721 (cited by Genomenon, Inc and Labcorp Genetics (formerly Invitae), Labcorp).

NM_000204.5(CFI):c.205A>G (p.Lys69Glu)

Gene: CFI (complement factor I; minus strand). Cytogenetic location: 4q25.
Variant type: single nucleotide variant.
Coding change: c.205A>G on transcript NM_000204.5 (MANE Select); coding-DNA position 205, A replaced by G.
Protein change: p.Lys69Glu; replaces lysine 69 with glutamic acid.
Molecular consequence: missense variant. On other transcripts: non-coding transcript variant (3), intron variant (1).
Genome position (GRCh38, 1-based): chr4:109,766,677, T>C on the plus strand (A>G on the coding strand, the complement: CFI is on the minus strand). VCF-style: chr4-109766677-T-C. GRCh37 (hg19) VCF-style: chr4-110687833-T-C.
Other names: c.205A>G, p.Lys69Glu (NM_001318057.2, NM_001331035.2, NM_001375278.1 and 5 more transcripts); c.-127-4985A>G (NM_001375284.1); short protein forms K69E.
Identifiers: ClinVar variation 599091 (VCV000599091.12), dbSNP rs771325547, ClinGen allele CA3042335.